The following is an entry in ClinVar:

ClinVar aggregate classification (germline): Conflicting classifications of pathogenicity. Review status: criteria provided, conflicting classifications (1 of 4 stars). 2 submissions from 2 submitters: Uncertain significance (1); Likely benign (1). Last evaluated 2023-03-23.

Conditions:
Hereditary breast ovarian cancer syndrome. Also called: BRCA1- and BRCA2-Associated Hereditary Breast and Ovarian Cancer; Hereditary breast and ovarian cancer syndrome (HBOC); Hereditary breast and/or ovarian cancer syndrome; Hereditary breast and ovarian cancer; Breast and ovarian cancer; Hereditary breast and ovarian cancer syndrome. Identifiers: Orphanet 145, MedGen C0677776, MeSH D061325, MONDO:0003582. Disease mechanism: loss of function.
Hereditary cancer-predisposing syndrome. Also called: Hereditary neoplastic syndrome; Hereditary Cancer Syndrome; Tumor predisposition; Neoplastic Syndromes, Hereditary. Identifiers: Orphanet 140162, MedGen C0027672, MeSH D009386, MONDO:0015356.

Submissions (2):

University of Washington Department of Laboratory Medicine, University of Washington
Classification: Likely benign for Hereditary cancer-predisposing syndrome. Last evaluated: 2023-03-23. Review status: criteria provided, single submitter. Criteria: Dines et al. (Genet Med. 2020). Collection method: curation. Allele origin: germline.
Comment: Missense variant in a coldspot region where missense variants are very unlikely to be pathogenic (PMID:31911673).

BRCA1 coldspot (exon 11 using historical exon numbering). Reclassification based on statistical prior probability

Labcorp Genetics (formerly Invitae), Labcorp
Classification: Uncertain significance for Hereditary breast ovarian cancer syndrome. Last evaluated: 2022-07-11. Review status: criteria provided, single submitter. Criteria: Invitae Variant Classification Sherloc (09022015). Collection method: clinical testing. Allele origin: germline.
Comment: In summary, the available evidence is currently insufficient to determine the role of this variant in disease. Therefore, it has been classified as a Variant of Uncertain Significance. Advanced modeling of protein sequence and biophysical properties (such as structural, functional, and spatial information, amino acid conservation, physicochemical variation, residue mobility, and thermodynamic stability) performed at Invitae indicates that this missense variant is not expected to disrupt BRCA1 protein function. This variant has not been reported in the literature in individuals affected with BRCA1-related conditions. This variant is not present in population databases (gnomAD no frequency). This sequence change replaces valine, which is neutral and non-polar, with leucine, which is neutral and non-polar, at codon 299 of the BRCA1 protein (p.Val299Leu).

NM_007294.4(BRCA1):c.895G>C (p.Val299Leu)

Gene: BRCA1 (BRCA1 DNA repair associated; minus strand). Cytogenetic location: 17q21.31.
Variant type: single nucleotide variant.
Coding change: c.895G>C on transcript NM_007294.4 (MANE Select); coding-DNA position 895, G replaced by C.
Protein change: p.Val299Leu; replaces valine 299 with leucine.
Molecular consequence: missense variant. On other transcripts: intron variant (137).
Genome position (GRCh38, 1-based): chr17:43,094,636, C>G on the plus strand (G>C on the coding strand, the complement: BRCA1 is on the minus strand). VCF-style: chr17-43094636-C-G. GRCh37 (hg19) VCF-style: chr17-41246653-C-G.
Other names: c.562G>C, p.Val188Leu (NM_001407951.1, NM_001407952.1, NM_001407953.1 and 6 more transcripts); c.559G>C, p.Val187Leu (NM_001407954.1, NM_001407955.1, NM_001407956.1 and 1 more transcripts); c.514G>C, p.Val172Leu (NM_001407959.1, NM_001407960.1, NM_001407963.1); c.511G>C, p.Val171Leu (NM_001407962.1); c.751G>C, p.Val251Leu (NM_001407964.1, NM_001407740.1, NM_001407741.1 and 20 more transcripts); c.391G>C, p.Val131Leu (NM_001407965.1); c.787+108G>C (NM_001407976.1, NM_001407980.1, NM_001407993.1 and 19 more transcripts); c.652+108G>C (NM_001408451.1); and 40 more; short protein forms V172L, V252L, V257L, V298L, V3L, V171L, V187L, V211L.
Identifiers: ClinVar variation 2006351 (VCV002006351.6), dbSNP rs780952576, ClinGen allele CA10600284.